The following is an entry in ClinVar:

NM_015650.4(TRAF3IP1):c.118A>G (p.Thr40Ala)

Gene: TRAF3IP1 (TRAF3 interacting protein 1; plus strand). Cytogenetic location: 2q37.3.
Variant type: single nucleotide variant.
Coding change: c.118A>G on transcript NM_015650.4 (MANE Select); coding-DNA position 118, A replaced by G.
Protein change: p.Thr40Ala; replaces threonine 40 with alanine.
Molecular consequence: missense variant.
Genome position (GRCh38, 1-based): chr2:238,320,780, A>G. VCF-style: chr2-238320780-A-G. GRCh37 (hg19) VCF-style: chr2-239229421-A-G.
Other names: c.118A>G, p.Thr40Ala (NM_001139490.1); short protein forms T40A.
Identifiers: ClinVar variation 1804217 (VCV001804217.1), dbSNP rs1225876583, ClinGen allele CA351240241.

ClinVar aggregate classification (germline): Uncertain significance (1 of 4 stars; one submission).

gnomAD v4.1: 12 of 1,415,958 alleles (0.00085%); highest among the groups gnomAD compares: Non-Finnish European, 0.00084%; no homozygotes.

Submission:

GeneDx
Classification: Uncertain significance. Last evaluated: 2022-06-10. Review status: criteria provided, single submitter. Criteria: GeneDx Variant Classification Process June 2021. Collection method: clinical testing. Allele origin: germline. Affected: yes.
Comment: Not observed at significant frequency in large population cohorts (gnomAD); In silico analysis supports that this missense variant does not alter protein structure/function; Has not been previously published as pathogenic or benign to our knowledge